The following is an entry in ClinVar:

ClinVar aggregate classification (germline): Uncertain significance. Review status: criteria provided, multiple submitters, no conflicts (2 of 4 stars). 2 submissions from 2 submitters: Uncertain significance (2). Last evaluated 2024-06-28.

Conditions:
Inborn genetic diseases. Identifiers: MedGen C0950123, MeSH D030342.

Submissions (2):

Ambry Genetics
Classification: Uncertain significance for Inborn genetic diseases. Last evaluated: 2024-06-28. Review status: criteria provided, single submitter. Criteria: Ambry Variant Classification Scheme 2023. Collection method: clinical testing. Allele origin: germline.

Labcorp Genetics (formerly Invitae), Labcorp
Classification: Uncertain significance. Last evaluated: 2022-12-16. Review status: criteria provided, single submitter. Criteria: Invitae Variant Classification Sherloc (09022015). Collection method: clinical testing. Allele origin: germline.
Comment: In summary, the available evidence is currently insufficient to determine the role of this variant in disease. Therefore, it has been classified as a Variant of Uncertain Significance. Algorithms developed to predict the effect of missense changes on protein structure and function output the following: SIFT: "Tolerated"; PolyPhen-2: "Not Available"; Align-GVGD: "Class C0". The valine amino acid residue is found in multiple mammalian species, which suggests that this missense change does not adversely affect protein function. This variant has not been reported in the literature in individuals affected with DNA2-related conditions. This variant is not present in population databases (gnomAD no frequency). This sequence change replaces isoleucine, which is neutral and non-polar, with valine, which is neutral and non-polar, at codon 369 of the DNA2 protein (p.Ile369Val).

NM_001080449.3(DNA2):c.1105A>G (p.Ile369Val)

Gene: DNA2 (DNA replication helicase/nuclease 2; minus strand). Cytogenetic location: 10q21.3.
Variant type: single nucleotide variant.
Coding change: c.1105A>G on transcript NM_001080449.3 (MANE Select); coding-DNA position 1105, A replaced by G.
Protein change: p.Ile369Val; replaces isoleucine 369 with valine.
Molecular consequence: missense variant. On other transcripts: non-coding transcript variant (1).
Genome position (GRCh38, 1-based): chr10:68,445,036, T>C on the plus strand (A>G on the coding strand, the complement: DNA2 is on the minus strand). VCF-style: chr10-68445036-T-C. GRCh37 (hg19) VCF-style: chr10-70204793-T-C.
Other names: c.1105A>G (NM_001080449.2); short protein forms I369V.
Identifiers: ClinVar variation 2983206 (VCV002983206.4), dbSNP rs2493959299, ClinGen allele CA376862679.